The following is an entry in ClinVar:

ClinVar aggregate classification (germline): Likely pathogenic (1 of 4 stars; one submission).

Allele frequency attached by ClinVar (database versions not stated): gnomAD exomes below 0.00001.
gnomAD v4.1: 1 of 1,613,482 alleles (0.000062%); highest among the groups gnomAD compares: Non-Finnish European, 0.000085%; no homozygotes.

Submission:

Labcorp Genetics (formerly Invitae), Labcorp
Classification: Likely pathogenic. Last evaluated: 2023-07-14. Review status: criteria provided, single submitter. Criteria: Invitae Variant Classification Sherloc (09022015). Collection method: clinical testing. Allele origin: germline.
Comment: In summary, the currently available evidence indicates that the variant is pathogenic, but additional data are needed to prove that conclusively. Therefore, this variant has been classified as Likely Pathogenic. Algorithms developed to predict the effect of sequence changes on RNA splicing suggest that this variant may disrupt the consensus splice site. This variant has not been reported in the literature in individuals affected with LRP2-related conditions. This variant is not present in population databases (gnomAD no frequency). This sequence change affects an acceptor splice site in intron 40 of the LRP2 gene. It is expected to disrupt RNA splicing. Variants that disrupt the donor or acceptor splice site typically lead to a loss of protein function (PMID: 16199547), and loss-of-function variants in LRP2 are known to be pathogenic (PMID: 17632512, 25682901).

Literature cited by the submitters: PubMed 16199547; PubMed 17632512; PubMed 25682901.

NM_004525.3(LRP2):c.7557-1G>A

Gene: LRP2 (LDL receptor related protein 2; minus strand). Cytogenetic location: 2q31.1.
Variant type: single nucleotide variant.
Coding change: c.7557-1G>A on transcript NM_004525.3 (MANE Select); the canonical splice acceptor site of the intron before coding-DNA position 7557, G replaced by A.
Molecular consequence: splice acceptor variant.
Genome position (GRCh38, 1-based): chr2:169,205,638, C>T on the plus strand (G>A on the coding strand, the complement: LRP2 is on the minus strand). VCF-style: chr2-169205638-C-T. GRCh37 (hg19) VCF-style: chr2-170062148-C-T.
Identifiers: ClinVar variation 2743230 (VCV002743230.3), dbSNP rs2545805212, ClinGen allele CA349169660.
Genomic context (GRCh38, chr2:169,205,638, plus strand): 5'-CCTCCCAATGTGGCTCTCTCGATTTTGGCATGTGTATCCCAGTCAGCCCAGTACAGGTAC[C>T]TAGTCATACAAAAGGAGTCAATAATTAATTCACAGGGAACCTCATAGTCCTTTAAAAAAA-3'